The following is an entry in ClinVar:

NM_001379081.2(FREM1):c.1519C>T (p.Arg507Cys)

Gene: FREM1 (FRAS1 related extracellular matrix 1; minus strand). Cytogenetic location: 9p22.3.
Variant type: single nucleotide variant.
Coding change: c.1519C>T on transcript NM_001379081.2 (MANE Select); coding-DNA position 1519, C replaced by T.
Protein change: p.Arg507Cys; replaces arginine 507 with cysteine.
Molecular consequence: missense variant. On other transcripts: non-coding transcript variant (2).
Genome position (GRCh38, 1-based): chr9:14,842,535, G>A on the plus strand (C>T on the coding strand, the complement: FREM1 is on the minus strand). VCF-style: chr9-14842535-G-A. GRCh37 (hg19) VCF-style: chr9-14842533-G-A.
Other names: c.1519C>T, p.Arg507Cys (NM_144966.7); short protein forms R507C.
Identifiers: ClinVar variation 3358626 (VCV003358626.2).

ClinVar aggregate classification (germline): Uncertain significance. Review status: criteria provided, single submitter (1 of 4 stars). 2 submissions from 2 submitters: Uncertain significance (1). 1 of the submissions does not count toward it. Last evaluated 2025-08-14.

Conditions:
FREM1-related disorder. Also called: FREM1-Related Disorders; FREM1-related condition.
Inborn genetic diseases. Identifiers: MedGen C0950123, MeSH D030342.

gnomAD v4.1: 150 of 1,613,822 alleles (0.0093%); highest among the groups gnomAD compares: Admixed American, 0.04%; no homozygotes.

Submissions (2):

Ambry Genetics
Classification: Uncertain significance for Inborn genetic diseases. Last evaluated: 2025-08-14. Review status: criteria provided, single submitter. Criteria: Ambry Variant Classification Scheme 2023. Collection method: clinical testing. Allele origin: germline.

PreventionGenetics, part of Exact Sciences
Classification: Uncertain significance for FREM1-related condition. Last evaluated: 2024-03-08. Review status: no assertion criteria provided. Collection method: clinical testing. Allele origin: germline. Not counted in ClinVar's aggregate classification.
Comment: The FREM1 c.1519C>T variant is predicted to result in the amino acid substitution p.Arg507Cys. To our knowledge, this variant has not been reported in the literature. This variant is reported in 0.055% of alleles in individuals of Latino descent in gnomAD. Although we suspect that this variant may be benign, at this time, the clinical significance of this variant is uncertain due to the absence of conclusive functional and genetic evidence.